The following is an entry in ClinVar:

ClinVar aggregate classification (germline): Likely benign (0 of 4 stars; one submission).

Conditions:
ALG1-related disorder. Also called: ALG1-related condition.

Allele frequency attached by ClinVar (database versions not stated): ExAC 0.00001; gnomAD 0.00002.

Submission:

PreventionGenetics, part of Exact Sciences
Classification: Likely benign for ALG1-related condition. Last evaluated: 2020-07-22. Review status: no assertion criteria provided. Collection method: clinical testing. Allele origin: germline.
Comment: This variant is classified as likely benign based on ACMG/AMP sequence variant interpretation guidelines (Richards et al. 2015 PMID: 25741868, with internal and published modifications).

NM_019109.5(ALG1):c.936T>A (p.Leu312=)

Gene: ALG1 (ALG1 chitobiosyldiphosphodolichol beta-mannosyltransferase; plus strand). Cytogenetic location: 16p13.3.
Variant type: single nucleotide variant.
Coding change: c.936T>A on transcript NM_019109.5 (MANE Select); coding-DNA position 936, T replaced by A.
Protein change: p.Leu312=; no amino-acid change (leucine 312 retained).
Molecular consequence: synonymous variant.
Genome position (GRCh38, 1-based): chr16:5,079,782, T>A. VCF-style: chr16-5079782-T-A. GRCh37 (hg19) VCF-style: chr16-5129783-T-A.
Other names: c.603T>A, p.Leu201= (NM_001330504.2).
Identifiers: ClinVar variation 3036862 (VCV003036862.2), dbSNP rs772979306, ClinGen allele CA7890115.